The following is an entry in ClinVar:

NM_006015.6(ARID1A):c.6331G>A (p.Val2111Ile)

Gene: ARID1A (AT-rich interaction domain 1A; plus strand). Cytogenetic location: 1p36.11.
Variant type: single nucleotide variant.
Coding change: c.6331G>A on transcript NM_006015.6 (MANE Select); coding-DNA position 6331, G replaced by A.
Protein change: p.Val2111Ile; replaces valine 2111 with isoleucine.
Molecular consequence: missense variant.
Genome position (GRCh38, 1-based): chr1:26,780,229, G>A. VCF-style: chr1-26780229-G-A. GRCh37 (hg19) VCF-style: chr1-27106720-G-A.
Other names: c.5680G>A, p.Val1894Ile (NM_139135.4); short protein forms V1894I, V2111I.
Identifiers: ClinVar variation 1212747 (VCV001212747.36), dbSNP rs770028290, ClinGen allele CA707826.

ClinVar aggregate classification (germline): Benign/Likely benign. Review status: criteria provided, multiple submitters, no conflicts (2 of 4 stars). 3 submissions from 3 submitters: Benign (1); Likely benign (2). Last evaluated 2024-11-24.

Allele frequency attached by ClinVar (database versions not stated): ExAC 0.00002; gnomAD exomes 0.00002 and 0.00003; TOPMed 0.00002; gnomAD 0.00003 and 0.00004.
gnomAD v4.1: 35 of 1,614,014 alleles (0.0022%); highest among the groups gnomAD compares: South Asian, 0.0088%; no homozygotes.

Submissions (3):

Labcorp Genetics (formerly Invitae), Labcorp
Classification: Benign. Last evaluated: 2024-11-24. Review status: criteria provided, single submitter. Criteria: Invitae Variant Classification Sherloc (09022015). Collection method: clinical testing. Allele origin: germline.

CeGaT Center for Human Genetics Tuebingen
Classification: Likely benign. Last evaluated: 2023-03-01. Review status: criteria provided, single submitter. Criteria: CeGaT Center For Human Genetics Tuebingen Variant Classification Criteria Version 2. Collection method: clinical testing. Allele origin: germline. Affected: yes. Observed: 1 variant allele.
Comment: ARID1A: PP2, BP4, BS2

GeneDx
Classification: Likely benign. Last evaluated: 2019-05-24. Review status: criteria provided, single submitter. Criteria: GeneDx Variant Classification Process June 2021. Collection method: clinical testing. Allele origin: germline. Affected: yes.